The following is an entry in ClinVar:

NM_014408.5(TRAPPC3):c.274A>G (p.Ser92Gly)

Gene: TRAPPC3 (trafficking protein particle complex subunit 3; minus strand). Cytogenetic location: 1p34.3.
Variant type: single nucleotide variant.
Coding change: c.274A>G on transcript NM_014408.5 (MANE Select); coding-DNA position 274, A replaced by G.
Protein change: p.Ser92Gly; replaces serine 92 with glycine.
Molecular consequence: missense variant. On other transcripts: non-coding transcript variant (1).
Genome position (GRCh38, 1-based): chr1:36,137,945, T>C on the plus strand (A>G on the coding strand, the complement: TRAPPC3 is on the minus strand). VCF-style: chr1-36137945-T-C. GRCh37 (hg19) VCF-style: chr1-36603546-T-C.
Other names: c.298A>G, p.Ser100Gly (NM_001270894.2); c.136A>G, p.Ser46Gly (NM_001270895.2, NM_001270896.2); c.76A>G, p.Ser26Gly (NM_001270897.2); c.274A>G (NM_014408.3); short protein forms S100G, S92G, S26G, S46G.
Identifiers: ClinVar variation 1449395 (VCV001449395.7), dbSNP rs138894050, ClinGen allele CA765275.

ClinVar aggregate classification (germline): Uncertain significance. Review status: criteria provided, multiple submitters, no conflicts (2 of 4 stars). 2 submissions from 2 submitters: Uncertain significance (2). Last evaluated 2025-12-11.

Allele frequency attached by ClinVar (database versions not stated): gnomAD 0.00005 and 0.00007; TOPMed 0.00008; gnomAD exomes 0.00012 and 0.00024; ExAC 0.00019; 1000 Genomes Project 0.00020; 1000 Genomes Project 30x 0.00031.
gnomAD v4.1: 81 of 1,614,132 alleles (0.005%); highest among the groups gnomAD compares: Admixed American, 0.11%; no homozygotes.

Submissions (2):

Labcorp Genetics (formerly Invitae), Labcorp
Classification: Uncertain significance. Last evaluated: 2025-12-11. Review status: criteria provided, single submitter. Criteria: Invitae Variant Classification Sherloc (09022015). Collection method: clinical testing. Allele origin: germline.
Comment: This sequence change replaces serine, which is neutral and polar, with glycine, which is neutral and non-polar, at codon 100 of the TRAPPC3 protein (p.Ser100Gly). This variant is present in population databases (rs138894050, gnomAD 0.2%), and has an allele count higher than expected for a pathogenic variant. This variant has not been reported in the literature in individuals affected with TRAPPC3-related conditions. ClinVar contains an entry for this variant (Variation ID: 1449395). Experimental studies and prediction algorithms are not available or were not evaluated, and the functional significance of this variant is currently unknown. In summary, the available evidence is currently insufficient to determine the role of this variant in disease. Therefore, it has been classified as a Variant of Uncertain Significance.

Ambry Genetics
Classification: Uncertain significance. Last evaluated: 2022-07-26. Review status: criteria provided, single submitter. Criteria: Ambry Variant Classification Scheme 2023. Collection method: clinical testing. Allele origin: germline.